The following is an entry in ClinVar:

NM_015450.3(POT1):c.803G>T (p.Gly268Val)

Gene: POT1 (protection of telomeres 1; minus strand). Cytogenetic location: 7q31.33.
Variant type: single nucleotide variant.
Coding change: c.803G>T on transcript NM_015450.3 (MANE Select); coding-DNA position 803, G replaced by T.
Protein change: p.Gly268Val; replaces glycine 268 with valine.
Molecular consequence: missense variant. On other transcripts: non-coding transcript variant (3).
Genome position (GRCh38, 1-based): chr7:124,853,038, C>A on the plus strand (G>T on the coding strand, the complement: POT1 is on the minus strand). VCF-style: chr7-124853038-C-A. GRCh37 (hg19) VCF-style: chr7-124493092-C-A.
Other names: c.410G>T, p.Gly137Val (NM_001042594.2); c.803G>T (NM_015450.2); short protein forms G137V, G268V.
Identifiers: ClinVar variation 2771964 (VCV002771964.4), dbSNP rs2116504751, ClinGen allele CA369055391.

ClinVar aggregate classification (germline): Uncertain significance. Review status: criteria provided, multiple submitters, no conflicts (2 of 4 stars). 2 submissions from 2 submitters: Uncertain significance (2). Last evaluated 2026-09-01.

Conditions:
Hereditary cancer-predisposing syndrome. Also called: Hereditary Cancer Syndrome; Hereditary neoplastic syndrome; Neoplastic Syndromes, Hereditary; Tumor predisposition. Identifiers: Orphanet 140162, MedGen C0027672, MeSH D009386, MONDO:0015356.
Tumor predisposition syndrome 3 (TPDS3). Also called: Glioma susceptibility 9; LONG TELOMERE SYNDROME, POT1-RELATED; POT1 Tumor Predisposition; Melanoma, cutaneous malignant, susceptibility to, 10. Identifiers: Orphanet 618, MedGen C4014476, MONDO:0014368, OMIM 615848.

Submissions (2):

Ambry Genetics
Classification: Uncertain significance for Hereditary cancer-predisposing syndrome. Last evaluated: 2026-09-01. Review status: criteria provided, single submitter. Criteria: Ambry Variant Classification Scheme 2023. Collection method: clinical testing. Allele origin: germline.
Comment: The p.G268V variant (also known as c.803G>T), located in coding exon 6 of the POT1 gene, results from a G to T substitution at nucleotide position 803. The glycine at codon 268 is replaced by valine, an amino acid with dissimilar properties. This amino acid position is highly conserved in available vertebrate species. In addition, this alteration is predicted to be deleterious by in silico analysis. Based on the available evidence, the clinical significance of this variant remains unclear.

Labcorp Genetics (formerly Invitae), Labcorp
Classification: Uncertain significance for Tumor predisposition syndrome 3. Last evaluated: 2023-10-26. Review status: criteria provided, single submitter. Criteria: Invitae Variant Classification Sherloc (09022015). Collection method: clinical testing. Allele origin: germline.
Comment: This sequence change replaces glycine, which is neutral and non-polar, with valine, which is neutral and non-polar, at codon 268 of the POT1 protein (p.Gly268Val). This variant is not present in population databases (gnomAD no frequency). This variant has not been reported in the literature in individuals affected with POT1-related conditions. Advanced modeling of protein sequence and biophysical properties (such as structural, functional, and spatial information, amino acid conservation, physicochemical variation, residue mobility, and thermodynamic stability) performed at Invitae indicates that this missense variant is not expected to disrupt POT1 protein function with a negative predictive value of 80%. In summary, the available evidence is currently insufficient to determine the role of this variant in disease. Therefore, it has been classified as a Variant of Uncertain Significance.